The following is an entry in ClinVar:

NM_015331.3(NCSTN):c.1639+6C>T

Gene: NCSTN (nicastrin; plus strand). Cytogenetic location: 1q23.2.
Variant type: single nucleotide variant.
Coding change: c.1639+6C>T on transcript NM_015331.3 (MANE Select); 6 bases into the intron after coding-DNA position 1639, C replaced by T.
Molecular consequence: intron variant.
Genome position (GRCh38, 1-based): chr1:160,356,353, C>T. VCF-style: chr1-160356353-C-T. GRCh37 (hg19) VCF-style: chr1-160326143-C-T.
Other names: c.1579+6C>T (NM_001290184.2); c.1639+6C>T (NM_001349729.2); c.1225+6C>T (NM_001290186.2).
Identifiers: ClinVar variation 4698009 (VCV004698009.1).

ClinVar aggregate classification (germline): Uncertain significance (1 of 4 stars; one submission).

gnomAD v4.1: 7 of 1,599,426 alleles (0.00044%); highest among the groups gnomAD compares: South Asian, 0.0066%; no homozygotes.

Submission:

Labcorp Genetics (formerly Invitae), Labcorp
Classification: Uncertain significance. Last evaluated: 2026-01-06. Review status: criteria provided, single submitter. Criteria: Invitae Variant Classification Sherloc (09022015). Collection method: clinical testing. Allele origin: germline.
Comment: This sequence change falls in intron 14 of the NCSTN gene. It does not directly change the encoded amino acid sequence of the NCSTN protein. It affects a nucleotide within the consensus splice site. This variant is present in population databases (rs775245029, gnomAD 0.02%). This variant has not been reported in the literature in individuals affected with NCSTN-related conditions. Variants that disrupt the consensus splice site are a relatively common cause of aberrant splicing (PMID: 17576681, 9536098). Algorithms developed to predict the effect of sequence changes on RNA splicing suggest that this variant is not likely to affect RNA splicing. In summary, the available evidence is currently insufficient to determine the role of this variant in disease. Therefore, it has been classified as a Variant of Uncertain Significance.

Literature cited by the submitters: PubMed 17576681; PubMed 9536098.